The following is an entry in ClinVar:

NM_005857.5(ZMPSTE24):c.1249C>T (p.Gln417Ter)

Gene: ZMPSTE24 (zinc metallopeptidase STE24; plus strand). Cytogenetic location: 1p34.2.
Variant type: single nucleotide variant.
Coding change: c.1249C>T on transcript NM_005857.5 (MANE Select); coding-DNA position 1249, C replaced by T.
Protein change: p.Gln417Ter; replaces glutamine 417 with a stop codon.
Molecular consequence: nonsense.
Genome position (GRCh38, 1-based): chr1:40,292,490, C>T. VCF-style: chr1-40292490-C-T. GRCh37 (hg19) VCF-style: chr1-40758162-C-T.
Other names: c.1249C>T (LRG_212t1); short protein forms Q417*.
Identifiers: ClinVar variation 140516 (VCV000140516.1), dbSNP rs281875374, ClinGen allele CA232729.

ClinVar aggregate classification (germline): not provided (0 of 4 stars; one submission).

Submission:

ZMPSTE24 homepage - Leiden Muscular Dystrophy pages
No classification provided. Review status: no classification provided. Collection method: not provided. Allele origin: germline.
Comment: has functional consequence